The following is an entry in ClinVar:

ClinVar aggregate classification (germline): Uncertain significance (1 of 4 stars; one submission).

Conditions:
Catecholaminergic polymorphic ventricular tachycardia 1. Also called: VENTRICULAR TACHYCARDIA, STRESS-INDUCED POLYMORPHIC 1; VENTRICULAR TACHYCARDIA, CATECHOLAMINERGIC POLYMORPHIC, 1, WITH OR WITHOUT ATRIAL DYSFUNCTION AND/OR DILATED CARDIOMYOPATHY; RYR2-Related Catecholaminergic Polymorphic Ventricular Tachycardia. Identifiers: Orphanet 3286, MedGen C1631597, MONDO:0011484, OMIM 604772.

Submission:

Labcorp Genetics (formerly Invitae), Labcorp
Classification: Uncertain significance for Catecholaminergic polymorphic ventricular tachycardia 1. Last evaluated: 2024-12-09. Review status: criteria provided, single submitter. Criteria: Invitae Variant Classification Sherloc (09022015). Collection method: clinical testing. Allele origin: germline.
Comment: This sequence change replaces methionine, which is neutral and non-polar, with isoleucine, which is neutral and non-polar, at codon 1694 of the RYR2 protein (p.Met1694Ile). This variant is not present in population databases (gnomAD no frequency). This variant has not been reported in the literature in individuals affected with RYR2-related conditions. Invitae Evidence Modeling of protein sequence and biophysical properties (such as structural, functional, and spatial information, amino acid conservation, physicochemical variation, residue mobility, and thermodynamic stability) indicates that this missense variant is not expected to disrupt RYR2 protein function with a negative predictive value of 95%. In summary, the available evidence is currently insufficient to determine the role of this variant in disease. Therefore, it has been classified as a Variant of Uncertain Significance.

NM_001035.3(RYR2):c.5082G>T (p.Met1694Ile)

Gene: RYR2 (ryanodine receptor 2; plus strand). Cytogenetic location: 1q43.
Variant type: single nucleotide variant.
Coding change: c.5082G>T on transcript NM_001035.3 (MANE Select); coding-DNA position 5082, G replaced by T.
Protein change: p.Met1694Ile; replaces methionine 1694 with isoleucine.
Molecular consequence: missense variant.
Genome position (GRCh38, 1-based): chr1:237,614,210, G>T. VCF-style: chr1-237614210-G-T. GRCh37 (hg19) VCF-style: chr1-237777510-G-T.
Other names: short protein forms M1694I.
Identifiers: ClinVar variation 3626563 (VCV003626563.2).